The following is an entry in ClinVar:

NM_001291303.3(FAT4):c.1364G>A (p.Arg455His)

Gene: FAT4 (FAT atypical cadherin 4; plus strand). Cytogenetic location: 4q28.1.
Variant type: single nucleotide variant.
Coding change: c.1364G>A on transcript NM_001291303.3 (MANE Select); coding-DNA position 1364, G replaced by A.
Protein change: p.Arg455His; replaces arginine 455 with histidine.
Molecular consequence: missense variant. On other transcripts: intron variant (1).
Genome position (GRCh38, 1-based): chr4:125,317,775, G>A. VCF-style: chr4-125317775-G-A. GRCh37 (hg19) VCF-style: chr4-126238930-G-A.
Other names: c.1364G>A, p.Arg455His (NM_001291285.3, NM_001438396.1, NM_001438397.1 and 1 more transcripts); c.-55+1798G>A (NM_001437895.1); short protein forms R455H.
Identifiers: ClinVar variation 4279846 (VCV004279846.1).

ClinVar aggregate classification (germline): Uncertain significance (1 of 4 stars; one submission).

Conditions:
Van Maldergem syndrome 2 (VMLDS2). Identifiers: Orphanet 314679, MedGen C3809875, MONDO:0014242, OMIM 615546.
Hennekam lymphangiectasia-lymphedema syndrome 2 (HKLLS2). Identifiers: Orphanet 2136, MedGen C4014939, MONDO:0014454, OMIM 616006.

gnomAD v4.1: 2 of 1,614,150 alleles (0.00012%); highest among the groups gnomAD compares: Non-Finnish European, 0.00017%; no homozygotes.

Submission:

Clinical Genomics Laboratory, Washington University in St. Louis
Classification: Uncertain significance for Hennekam lymphangiectasia-lymphedema syndrome 2; Van Maldergem syndrome 2. Last evaluated: 2025-07-09. Review status: criteria provided, single submitter. Criteria: ACMG Guidelines, 2015. Collection method: clinical testing. Allele origin: germline.
Comment: A FAT4 c.1364G>A (p.Arg455His) variant was identified at a heterozygous allelic fraction of 51.4%, a frequency which may be consistent with it being of germline origin. This variant, to our knowledge, has not been reported in the medical literature. It is only observed in 2/1,614,150 alleles in the general population (gnomAD v4.1.0), indicating it is not a common variant. Computational predictors are uncertain as to the impact of this variant on FAT4 function. Due to limited information, and based on ACMG/AMP guidelines for variant interpretation (Richards S et al., PMID: 25741868), the clinical significance of this variant is uncertain at this time.